The following is an entry in ClinVar:

ClinVar aggregate classification (germline): Uncertain significance (1 of 4 stars; one submission).

gnomAD v4.1: 10 of 1,612,908 alleles (0.00062%); highest among the groups gnomAD compares: Non-Finnish European, 0.000085%; no homozygotes.

Submission:

Ambry Genetics
Classification: Uncertain significance. Last evaluated: 2024-06-14. Review status: criteria provided, single submitter. Criteria: Ambry Variant Classification Scheme 2023. Collection method: clinical testing. Allele origin: germline.
Comment: The p.M230V variant (also known as c.688A>G), located in coding exon 7 of the STAP1 gene, results from an A to G substitution at nucleotide position 688. The methionine at codon 230 is replaced by valine, an amino acid with highly similar properties. This amino acid position is conserved. In addition, this alteration is predicted to be tolerated by in silico analysis. Based on the available evidence, the clinical significance of this variant remains unclear.

NM_012108.4(STAP1):c.688A>G (p.Met230Val)

Gene: STAP1 (signal transducing adaptor family member 1; plus strand). Cytogenetic location: 4q13.2.
Variant type: single nucleotide variant.
Coding change: c.688A>G on transcript NM_012108.4 (MANE Select); coding-DNA position 688, A replaced by G.
Protein change: p.Met230Val; replaces methionine 230 with valine.
Molecular consequence: missense variant.
Genome position (GRCh38, 1-based): chr4:67,590,912, A>G. VCF-style: chr4-67590912-A-G. GRCh37 (hg19) VCF-style: chr4-68456630-A-G.
Other names: c.688A>G, p.Met230Val (NM_001317769.2); short protein forms M230V.
Identifiers: ClinVar variation 3323081 (VCV003323081.1).